The following is an entry in ClinVar:

NM_000492.4(CFTR):c.2268C>A (p.Ser756Arg)

Gene: CFTR (CF transmembrane conductance regulator; plus strand). Cytogenetic location: 7q31.2.
Variant type: single nucleotide variant.
Coding change: c.2268C>A on transcript NM_000492.4 (MANE Select); coding-DNA position 2268, C replaced by A.
Protein change: p.Ser756Arg; replaces serine 756 with arginine.
Molecular consequence: missense variant.
Genome position (GRCh38, 1-based): chr7:117,592,435, C>A. VCF-style: chr7-117592435-C-A. GRCh37 (hg19) VCF-style: chr7-117232489-C-A.
Other names: short protein forms S756R.
Identifiers: ClinVar variation 4868856 (VCV004868856.1).

ClinVar aggregate classification (germline): Uncertain significance (1 of 4 stars; one submission).

Conditions:
Cystic fibrosis (CF). Also called: MUCOVISCIDOSIS. Identifiers: Orphanet 586, MedGen C0010674, MONDO:0009061, OMIM 219700. Disease mechanism: loss of function.

Submission:

Ambry Genetics
Classification: Uncertain significance for Cystic fibrosis. Last evaluated: 2026-05-22. Review status: criteria provided, single submitter. Criteria: Ambry Variant Classification Scheme 2023. Collection method: clinical testing. Allele origin: germline.
Comment: The p.S756R variant (also known as c.2268C>A), located in coding exon 14 of the CFTR gene, results from a C to A substitution at nucleotide position 2268. The serine at codon 756 is replaced by arginine, an amino acid with dissimilar properties. This amino acid position is conserved. In addition, the in silico prediction for this alteration is inconclusive. Based on the available evidence, the clinical significance of this variant remains unclear.